The following is an entry in ClinVar:

NM_000179.3(MSH6):c.1166C>G (p.Pro389Arg)

Gene: MSH6 (mutS homolog 6; plus strand). Cytogenetic location: 2p16.3.
Variant type: single nucleotide variant.
Coding change: c.1166C>G on transcript NM_000179.3 (MANE Select); coding-DNA position 1166, C replaced by G.
Protein change: p.Pro389Arg; replaces proline 389 with arginine.
Molecular consequence: missense variant.
Genome position (GRCh38, 1-based): chr2:47,799,149, C>G. VCF-style: chr2-47799149-C-G. GRCh37 (hg19) VCF-style: chr2-48026288-C-G.
Other names: c.776C>G, p.Pro259Arg (NM_001281492.2); c.260C>G, p.Pro87Arg (NM_001281493.2, NM_001281494.2); short protein forms P259R, P389R, P87R.
Identifiers: ClinVar variation 857387 (VCV000857387.15), dbSNP rs1572721950, ClinGen allele CA346742289.

ClinVar aggregate classification (germline): Uncertain significance. Review status: criteria provided, multiple submitters, no conflicts (2 of 4 stars). 3 submissions from 3 submitters: Uncertain significance (3). Last evaluated 2024-03-06.

Conditions:
Hereditary cancer-predisposing syndrome. Also called: Tumor predisposition; Hereditary neoplastic syndrome; Neoplastic Syndromes, Hereditary; Hereditary Cancer Syndrome. Identifiers: Orphanet 140162, MedGen C0027672, MeSH D009386, MONDO:0015356.
Hereditary nonpolyposis colorectal neoplasms. Identifiers: MedGen C0009405, MeSH D003123.

Submissions (3):

Color Diagnostics, LLC DBA Color Health
Classification: Uncertain significance for Hereditary cancer-predisposing syndrome. Last evaluated: 2024-03-06. Review status: criteria provided, single submitter. Criteria: ACMG Guidelines, 2015. Collection method: clinical testing. Allele origin: germline.
Comment: This missense variant replaces proline with arginine at codon 389 of the MSH6 protein. Computational prediction is inconclusive regarding the impact of this variant on protein structure and function (internally defined REVEL score threshold 0.5 < inconclusive < 0.7, PMID: 27666373). To our knowledge, functional studies have not been reported for this variant. This variant has not been reported in individuals affected with hereditary cancer in the literature. This variant has not been identified in the general population by the Genome Aggregation Database (gnomAD). The available evidence is insufficient to determine the role of this variant in disease conclusively. Therefore, this variant is classified as a Variant of Uncertain Significance.

Ambry Genetics
Classification: Uncertain significance for Hereditary cancer-predisposing syndrome. Last evaluated: 2022-09-04. Review status: criteria provided, single submitter. Criteria: Ambry Variant Classification Scheme 2023. Collection method: clinical testing. Allele origin: germline.
Comment: The p.P389R variant (also known as c.1166C>G), located in coding exon 4 of the MSH6 gene, results from a C to G substitution at nucleotide position 1166. The proline at codon 389 is replaced by arginine, an amino acid with dissimilar properties. This amino acid position is conserved. In addition, the in silico prediction for this alteration is inconclusive. Since supporting evidence is limited at this time, the clinical significance of this alteration remains unclear.

Labcorp Genetics (formerly Invitae), Labcorp
Classification: Uncertain significance for Hereditary nonpolyposis colorectal neoplasms. Last evaluated: 2019-12-14. Review status: criteria provided, single submitter. Criteria: Invitae Variant Classification Sherloc (09022015). Collection method: clinical testing. Allele origin: germline.
Comment: This sequence change replaces proline with arginine at codon 389 of the MSH6 protein (p.Pro389Arg). The proline residue is moderately conserved and there is a moderate physicochemical difference between proline and arginine. In summary, the available evidence is currently insufficient to determine the role of this variant in disease. Therefore, it has been classified as a Variant of Uncertain Significance. Algorithms developed to predict the effect of missense changes on protein structure and function are either unavailable or do not agree on the potential impact of this missense change (SIFT: "Deleterious"; PolyPhen-2: "Possibly Damaging"; Align-GVGD: "Class C0"). This variant has not been reported in the literature in individuals with MSH6-related conditions. This variant is not present in population databases (ExAC no frequency).